The following is an entry in ClinVar:

ClinVar aggregate classification (germline): Uncertain significance (1 of 4 stars; one submission).

Conditions:
Anemia, nonspherocytic hemolytic, due to G6PD deficiency (CNSHA1). Also called: Class I glucose-6-phosphate dehydrogenase deficiency; Favism, susceptibility to; ANEMIA, CONGENITAL, NONSPHEROCYTIC HEMOLYTIC, 1; Hemolytic anemia due to G6PD deficiency. Identifiers: Orphanet 466026, MedGen C2720289, MONDO:0010480, OMIM 300908.

Submission:

Labcorp Genetics (formerly Invitae), Labcorp
Classification: Uncertain significance for Anemia, nonspherocytic hemolytic, due to G6PD deficiency. Last evaluated: 2025-10-21. Review status: criteria provided, single submitter. Criteria: Invitae Variant Classification Sherloc (09022015). Collection method: clinical testing. Allele origin: germline.
Comment: This sequence change replaces leucine, which is neutral and non-polar, with proline, which is neutral and non-polar, at codon 96 of the G6PD protein (p.Leu96Pro). This variant is not present in population databases (gnomAD no frequency). This variant has not been reported in the literature in individuals affected with G6PD-related conditions. ClinVar contains an entry for this variant (Variation ID: 3714435). Invitae Evidence Modeling of protein sequence and biophysical properties (such as structural, functional, and spatial information, amino acid conservation, physicochemical variation, residue mobility, and thermodynamic stability) indicates that this missense variant is not expected to disrupt G6PD protein function with a negative predictive value of 80%. In summary, the available evidence is currently insufficient to determine the role of this variant in disease. Therefore, it has been classified as a Variant of Uncertain Significance.

NM_001360016.2(G6PD):c.287T>C (p.Leu96Pro)

Gene: G6PD (glucose-6-phosphate dehydrogenase; minus strand). Cytogenetic location: Xq28.
Variant type: single nucleotide variant.
Coding change: c.287T>C on transcript NM_001360016.2 (MANE Select); coding-DNA position 287, T replaced by C.
Protein change: p.Leu96Pro; replaces leucine 96 with proline.
Molecular consequence: missense variant.
Genome position (GRCh38, 1-based): chrX:154,535,366, A>G on the plus strand (T>C on the coding strand, the complement: G6PD is on the minus strand). VCF-style: chrX-154535366-A-G. GRCh37 (hg19) VCF-style: chrX-153763581-A-G.
Other names: c.377T>C, p.Leu126Pro (NM_000402.4); c.287T>C, p.Leu96Pro (NM_001042351.3); short protein forms L126P, L96P.
Identifiers: ClinVar variation 3714435 (VCV003714435.2).
Genomic context (GRCh38, chrX:154,535,366, plus strand): 5'-GCTGCATCATCGTACTGGCCAGCCACATAGGAGTTGCGGGCAAAGAAGTCCTCCAGCTTG[A>G]GCTTCTCCTCTGGGGTGGCCTGGGAGACACGGACAGACAGACACACAGACAGATGTCAGC-3'
Protein context (NP_001346945.1, residues 86-106): PFFKATPEEK[Leu96Pro]KLEDFFARNS